The following is an entry in ClinVar:

NM_198334.3(GANAB):c.2434C>T (p.Arg812Ter)

Gene: GANAB (glucosidase II alpha subunit; minus strand). Cytogenetic location: 11q12.3.
Variant type: single nucleotide variant.
Coding change: c.2434C>T on transcript NM_198334.3 (MANE Select); coding-DNA position 2434, C replaced by T.
Protein change: p.Arg812Ter; replaces arginine 812 with a stop codon.
Molecular consequence: nonsense.
Genome position (GRCh38, 1-based): chr11:62,626,648, G>A on the plus strand (C>T on the coding strand, the complement: GANAB is on the minus strand). VCF-style: chr11-62626648-G-A. GRCh37 (hg19) VCF-style: chr11-62394120-G-A.
Other names: c.2158C>T, p.Arg720Ter (NM_001278192.2); c.2092C>T, p.Arg698Ter (NM_001278193.2); c.2143C>T, p.Arg715Ter (NM_001278194.2, NM_001329222.2, NM_001329223.2); c.1711C>T, p.Arg571Ter (NM_001329224.2, NM_001329225.2); c.2500C>T, p.Arg834Ter (NM_198335.4); short protein forms R571*, R698*, R715*, R720*, R812*, R834*.
Identifiers: ClinVar variation 2440412 (VCV002440412.5), dbSNP rs2496294228, ClinGen allele CA380987515.

ClinVar aggregate classification (germline): Pathogenic/Likely pathogenic. Review status: criteria provided, multiple submitters, no conflicts (2 of 4 stars). 2 submissions from 2 submitters: Pathogenic (1); Likely pathogenic (1). Last evaluated 2024-09-04.

Conditions:
Polycystic kidney disease 3 with or without polycystic liver disease. Also called: Polycystic kidney disease 3; POLYCYSTIC KIDNEY DISEASE, ADULT, TYPE III; Polycystic Kidney and/or Polycystic Liver Disease 3. Identifiers: MedGen C3887964, MONDO:0010916, OMIM 600666.

Allele frequency attached by ClinVar (database versions not stated): gnomAD exomes below 0.00001.
gnomAD v4.1: 2 of 1,610,820 alleles (0.00012%); highest among the groups gnomAD compares: Non-Finnish European, 0.00017%; no homozygotes.

Submissions (2):

Labcorp Genetics (formerly Invitae), Labcorp
Classification: Pathogenic. Last evaluated: 2024-09-04. Review status: criteria provided, single submitter. Criteria: Invitae Variant Classification Sherloc (09022015). Collection method: clinical testing. Allele origin: germline.
Comment: This sequence change creates a premature translational stop signal (p.Arg834*) in the GANAB gene. It is expected to result in an absent or disrupted protein product. Loss-of-function variants in GANAB are known to be pathogenic (PMID: 27259053). This variant is not present in population databases (gnomAD no frequency). This variant has not been reported in the literature in individuals affected with GANAB-related conditions. ClinVar contains an entry for this variant (Variation ID: 2440412). For these reasons, this variant has been classified as Pathogenic.

Revvity Omics, Revvity
Classification: Likely pathogenic for Polycystic kidney disease 3 with or without polycystic liver disease. Last evaluated: 2022-05-18. Review status: criteria provided, single submitter. Criteria: ACMG Guidelines, 2015. Collection method: clinical testing. Allele origin: germline.

Literature cited by the submitters: PubMed 27259053 (cited by Labcorp Genetics (formerly Invitae), Labcorp).